The following is an entry in ClinVar:

NM_001384732.1(CPLANE1):c.532_534del (p.Lys178del)

Gene: CPLANE1 (ciliogenesis and planar polarity effector complex subunit 1; minus strand). Cytogenetic location: 5p13.2.
Variant type: Deletion.
Coding change: c.532_534del on transcript NM_001384732.1 (MANE Select); coding-DNA positions 532 to 534, 3 bases deleted (AAA; older notation c.532_534delAAA).
Protein change: p.Lys178del; deletes lysine 178.
Molecular consequence: inframe deletion.
Genome position (GRCh38, 1-based): chr5:37,244,411-37,244,413, TTT deleted on the plus strand (AAA on the coding strand, the reverse complement: CPLANE1 is on the minus strand). VCF-style (leftmost placement, unchanged base first): chr5-37244410-CTTT-C. GRCh37 (hg19) VCF-style: chr5-37244512-CTTT-C.
Other names: c.532_534del, p.Lys178del (NM_023073.4); short protein forms K178del.
Identifiers: ClinVar variation 285112 (VCV000285112.12), dbSNP rs886043021, ClinGen allele CA10605001.
Genomic context (GRCh38, chr5:37,244,410, plus strand): 5'-GATAAGAGTCTGAGACTGATTTTACCTCATTTTTTATAAAAACAGCATTCACTACAGCTT[CTTT>C]ATCTTCGGTGGAAGGCAAGAGAACTGCTTCTTCAGGTATGACCTGGGACCACCGACCCGC-3'

ClinVar aggregate classification (germline): Uncertain significance. Review status: criteria provided, multiple submitters, no conflicts (2 of 4 stars). 3 submissions from 3 submitters: Uncertain significance (3). Last evaluated 2025-05-04.

Conditions:
Orofaciodigital syndrome type 6 (OFD6). Also called: OROFACIODIGITAL SYNDROME VI; OFDS VI; POLYDACTYLY, CLEFT LIP/PALATE OR LINGUAL LUMP, AND PSYCHOMOTOR RETARDATION; VARADI SYNDROME; VARADI-PAPP SYNDROME; Oral-facial-digital syndrome type 6. Identifiers: Orphanet 2754, MedGen C2745997, MONDO:0010176, OMIM 277170.
Joubert syndrome 17 (JBTS17). Identifiers: Orphanet 475, MedGen C3553264, MONDO:0013824, OMIM 614615.

Allele frequency attached by ClinVar (database versions not stated): gnomAD exomes 0.00001; gnomAD 0.00005; TOPMed 0.00007.

Submissions (3):

Labcorp Genetics (formerly Invitae), Labcorp
Classification: Uncertain significance. Last evaluated: 2025-05-04. Review status: criteria provided, single submitter. Criteria: Invitae Variant Classification Sherloc (09022015). Collection method: clinical testing. Allele origin: germline.
Comment: This variant, c.532_534del, results in the deletion of 1 amino acid(s) of the CPLANE1 protein (p.Lys178del), but otherwise preserves the integrity of the reading frame. This variant is present in population databases (no rsID available, gnomAD 0.004%). This variant has not been reported in the literature in individuals affected with CPLANE1-related conditions. ClinVar contains an entry for this variant (Variation ID: 285112). Experimental studies and prediction algorithms are not available or were not evaluated, and the functional significance of this variant is currently unknown. In summary, the available evidence is currently insufficient to determine the role of this variant in disease. Therefore, it has been classified as a Variant of Uncertain Significance.

Fulgent Genetics
Classification: Uncertain significance for Orofaciodigital syndrome type 6; Joubert syndrome 17. Last evaluated: 2024-01-16. Review status: criteria provided, single submitter. Criteria: ACMG Guidelines, 2015. Collection method: clinical testing. Allele origin: germline.

Eurofins Ntd Llc (ga)
Classification: Uncertain significance. Last evaluated: 2015-12-21. Review status: criteria provided, single submitter. Criteria: EGL Classification Definitions 2015. Collection method: clinical testing. Allele origin: germline. Observed: 1 variant allele, 1 heterozygote.